The following is an entry in ClinVar:

ClinVar aggregate classification (germline): Benign. Review status: criteria provided, multiple submitters, no conflicts (2 of 4 stars). 3 submissions from 3 submitters: Benign (3). Last evaluated 2023-11-12.

Allele frequency attached by ClinVar (database versions not stated): gnomAD 0.35110 and 0.35141; TOPMed 0.35411; 1000 Genomes Project 0.40196; 1000 Genomes Project 30x 0.40459.
gnomAD v4.1: 270,516 of 916,948 alleles (30%); highest among the groups gnomAD compares: East Asian, 55%; 44,743 homozygotes.

Submissions (3):

Unidad de Genómica Garrahan, Hospital de Pediatría Garrahan
Classification: Benign. Last evaluated: 2023-11-12. Review status: criteria provided, single submitter. Criteria: ACMG Guidelines, 2015. Collection method: clinical testing. Allele origin: germline. Affected: no. Observed: 55 variant alleles.
Comment: This variant is classified as Benign based on local population frequency. This variant was detected in 57% of patients studied by a panel of primary immunodeficiencies. Number of patients: 55. Only high quality variants are reported.

GeneDx
Classification: Benign. Last evaluated: 2018-06-26. Review status: criteria provided, single submitter. Criteria: GeneDx Variant Classification Process June 2021. Collection method: clinical testing. Allele origin: germline. Affected: yes.

Breakthrough Genomics
Classification: Benign. Review status: criteria provided, single submitter. Criteria: ACMG Guidelines, 2015. Collection method: not provided. Allele origin: germline. Inheritance: Autosomal recessive inheritance. Affected: yes.

NM_203447.4(DOCK8):c.3701-150A>G

Gene: DOCK8 (dedicator of cytokinesis 8; plus strand). Cytogenetic location: 9p24.3.
Variant type: single nucleotide variant.
Coding change: c.3701-150A>G on transcript NM_203447.4 (MANE Select); 150 bases into the intron before coding-DNA position 3701, A replaced by G.
Molecular consequence: intron variant.
Genome position (GRCh38, 1-based): chr9:417,918, A>G. VCF-style: chr9-417918-A-G. GRCh37 (hg19) VCF-style: chr9-417918-A-G.
Other names: c.3497-150A>G (NM_001193536.2); c.3401-150A>G (NM_001190458.2).
Identifiers: ClinVar variation 1276738 (VCV001276738.4), dbSNP rs7024113, ClinGen allele CA15616118.
Genomic context (GRCh38, chr9:417,918, plus strand): 5'-AAATTAATTTCTAGCCTAATCTTGTGCTAGACATTGTCTCTTAGCCTGCTGTGTTTTCCT[A>G]TAGGTGATAGCAGATACATAATGCTAAACATCAGGTTTGAAATTACTGTGCTGACTTTAG-3'